The following is an entry in ClinVar:

NM_033056.4(PCDH15):c.4919G>A (p.Arg1640Lys)

Gene: PCDH15 (protocadherin related 15; minus strand). Cytogenetic location: 10q21.1.
Variant type: single nucleotide variant.
Coding change: c.4919G>A on transcript NM_033056.4 (MANE Plus Clinical); coding-DNA position 4919, G replaced by A.
Protein change: p.Arg1640Lys; replaces arginine 1640 with lysine.
Molecular consequence: missense variant. On other transcripts: intron variant (8).
Genome position (GRCh38, 1-based): chr10:53,822,807, C>T on the plus strand (G>A on the coding strand, the complement: PCDH15 is on the minus strand). VCF-style: chr10-53822807-C-T. GRCh37 (hg19) VCF-style: chr10-55582567-C-T.
Other names: c.4409+2329G>A (NM_001142769.3); c.4940G>A, p.Arg1647Lys (NM_001142763.2); c.4925G>A, p.Arg1642Lys (NM_001142764.2); c.4712G>A, p.Arg1571Lys (NM_001142765.2); c.4910G>A, p.Arg1637Lys (NM_001142766.2); c.4799G>A, p.Arg1600Lys (NM_001142767.2); c.4859G>A, p.Arg1620Lys (NM_001142768.2); c.4850G>A, p.Arg1617Lys (NM_001142773.2); and 6 more; short protein forms R1571K, R1600K, R1620K, R1640K, R1642K, R1647K, R1617K, R1618K.
Identifiers: ClinVar variation 850616 (VCV000850616.7), dbSNP rs567843031, ClinGen allele CA5505164.

ClinVar aggregate classification (germline): Uncertain significance. Review status: criteria provided, multiple submitters, no conflicts (2 of 4 stars). 4 submissions from 4 submitters: Uncertain significance (3). 1 of the submissions does not count toward it. Last evaluated 2026-06-20.

Conditions:
Inborn genetic diseases. Identifiers: MedGen C0950123, MeSH D030342.
PCDH15-related disorder. Also called: PCDH15-related disorders; PCDH15-related condition.
Usher syndrome type 1F (USH1F). Also called: USHER SYNDROME, TYPE IF. Identifiers: Orphanet 231169, Orphanet 886, MedGen C1865885, MONDO:0011186, OMIM 602083.

Allele frequency attached by ClinVar (database versions not stated): gnomAD exomes below 0.00001 and 0.00002; ExAC 0.00002; gnomAD 0.00009; TOPMed 0.00007; 1000 Genomes Project 0.00020; 1000 Genomes Project 30x 0.00016.
gnomAD v4.1: 19 of 1,613,964 alleles (0.0012%); highest among the groups gnomAD compares: African/African-American, 0.024%; no homozygotes.

Submissions (4):

PreventionGenetics, part of Exact Sciences
Classification: Uncertain significance for PCDH15-related condition. Last evaluated: 2026-06-20. Review status: criteria provided, single submitter. Criteria: ACMG Guidelines, 2015. Collection method: clinical testing. Allele origin: germline.
Comment: The PCDH15 c.4919G>A variant is predicted to result in the amino acid substitution p.Arg1640Lys. To our knowledge, this variant has not been reported in the literature. This variant is reported in 0.028% of alleles in individuals of African descent in gnomAD. At this time, the clinical significance of this variant is uncertain due to the absence of conclusive functional and genetic evidence.

Ambry Genetics
Classification: Uncertain significance for Inborn genetic diseases. Last evaluated: 2025-04-03. Review status: criteria provided, single submitter. Criteria: Ambry Variant Classification Scheme 2023. Collection method: clinical testing. Allele origin: germline.

Labcorp Genetics (formerly Invitae), Labcorp
Classification: Uncertain significance. Last evaluated: 2022-02-02. Review status: criteria provided, single submitter. Criteria: Invitae Variant Classification Sherloc (09022015). Collection method: clinical testing. Allele origin: germline.
Comment: This sequence change replaces arginine, which is basic and polar, with lysine, which is basic and polar, at codon 1640 of the PCDH15 protein (p.Arg1640Lys). This variant is present in population databases (rs567843031, gnomAD 0.02%). This variant has not been reported in the literature in individuals affected with PCDH15-related conditions. ClinVar contains an entry for this variant (Variation ID: 850616). Algorithms developed to predict the effect of missense changes on protein structure and function (SIFT, PolyPhen-2, Align-GVGD) all suggest that this variant is likely to be tolerated. In summary, the available evidence is currently insufficient to determine the role of this variant in disease. Therefore, it has been classified as a Variant of Uncertain Significance.

Natera, Inc.
Classification: Uncertain significance for Usher syndrome type 1F. Last evaluated: 2020-09-16. Review status: no assertion criteria provided. Collection method: clinical testing. Allele origin: germline. Not counted in ClinVar's aggregate classification.